The following is an entry in ClinVar:

ClinVar aggregate classification (germline): Uncertain significance (1 of 4 stars; one submission).

gnomAD v4.1: 1 of 1,612,672 alleles (0.000062%); highest among the groups gnomAD compares: East Asian, 0.0022%; no homozygotes.

Submission:

CeGaT Center for Human Genetics Tuebingen
Classification: Uncertain significance. Last evaluated: 2026-08-01. Review status: criteria provided, single submitter. Criteria: CeGaT Center For Human Genetics Tuebingen Variant Classification Criteria Version 2. Collection method: clinical testing. Allele origin: germline. Affected: yes. Observed: 1 variant allele.
Comment: LRRC7: PM2, BP4

NM_001370785.2(LRRC7):c.157C>A (p.Arg53=)

Gene: LRRC7 (leucine rich repeat containing 7; plus strand). Cytogenetic location: 1p31.1.
Variant type: single nucleotide variant.
Coding change: c.157C>A on transcript NM_001370785.2 (MANE Select); coding-DNA position 157, C replaced by A.
Protein change: p.Arg53=; no amino-acid change (arginine 53 retained).
Molecular consequence: synonymous variant.
Genome position (GRCh38, 1-based): chr1:69,760,247, C>A. VCF-style: chr1-69760247-C-A. GRCh37 (hg19) VCF-style: chr1-70225930-C-A.
Other names: c.58C>A, p.Arg20= (NM_001330635.3, NM_001366837.3, NM_001366839.3 and 1 more transcripts); c.160C>A, p.Arg54= (NM_001350216.3, NM_001366840.1); c.157C>A, p.Arg53= (NM_001366836.3, NM_001366838.3); c.214C>A, p.Arg72= (NM_001366842.1).
Identifiers: ClinVar variation 5040602 (VCV005040602.1).